The following is an entry in ClinVar:

NM_015662.3(IFT172):c.145C>T (p.Arg49Trp)

Gene: IFT172 (intraflagellar transport 172; minus strand). Cytogenetic location: 2p23.3.
Variant type: single nucleotide variant.
Coding change: c.145C>T on transcript NM_015662.3 (MANE Select); coding-DNA position 145, C replaced by T.
Protein change: p.Arg49Trp; replaces arginine 49 with tryptophan.
Molecular consequence: missense variant.
Genome position (GRCh38, 1-based): chr2:27,485,398, G>A on the plus strand (C>T on the coding strand, the complement: IFT172 is on the minus strand). VCF-style: chr2-27485398-G-A. GRCh37 (hg19) VCF-style: chr2-27708265-G-A.
Other names: c.145C>T (NM_015662.1); short protein forms R49W.
Identifiers: ClinVar variation 858644 (VCV000858644.14), dbSNP rs141043554, ClinGen allele CA1581114.

ClinVar aggregate classification (germline): Uncertain significance. Review status: criteria provided, multiple submitters, no conflicts (2 of 4 stars). 6 submissions from 6 submitters: Uncertain significance (5). 1 of the submissions does not count toward it. Last evaluated 2023-06-01.

Conditions:
Short-rib thoracic dysplasia 10 with or without polydactyly (SRTD10). Identifiers: Orphanet 474, MedGen C3810175, MONDO:0014284, OMIM 615630.
Bardet-Biedl syndrome 20. Identifiers: MedGen C4310707, MONDO:0023670, OMIM 619471, MONDO:0014926.
Retinitis pigmentosa 71 (RP71). Identifiers: Orphanet 791, MedGen C4225342, MONDO:0014618, OMIM 616394.
Inborn genetic diseases. Identifiers: MedGen C0950123, MeSH D030342.
IFT172-related disorder. Also called: IFT172-related condition; IFT172-related disorders.

Allele frequency attached by ClinVar (database versions not stated): ExAC 0.00004; gnomAD exomes 0.00006; TOPMed 0.00007; ESP Exome Variant Server 0.00008; gnomAD 0.00009.
gnomAD v4.1: 225 of 1,613,996 alleles (0.014%); highest among the groups gnomAD compares: Non-Finnish European, 0.018%; no homozygotes.

Submissions (6):

Blueprint Genetics
Classification: Uncertain significance. Last evaluated: 2023-06-01. Review status: criteria provided, single submitter. Criteria: ACMG Guidelines, 2015. Collection method: clinical testing. Allele origin: germline.

Ambry Genetics
Classification: Uncertain significance for Inborn genetic diseases. Last evaluated: 2023-01-23. Review status: criteria provided, single submitter. Criteria: Ambry Variant Classification Scheme 2023. Collection method: clinical testing. Allele origin: germline.

Labcorp Genetics (formerly Invitae), Labcorp
Classification: Uncertain significance for Retinitis pigmentosa 71; Short-rib thoracic dysplasia 10 with or without polydactyly. Last evaluated: 2022-07-03. Review status: criteria provided, single submitter. Criteria: Invitae Variant Classification Sherloc (09022015). Collection method: clinical testing. Allele origin: germline.
Comment: This sequence change replaces arginine, which is basic and polar, with tryptophan, which is neutral and slightly polar, at codon 49 of the IFT172 protein (p.Arg49Trp). This variant is present in population databases (rs141043554, gnomAD 0.01%). This variant has not been reported in the literature in individuals affected with IFT172-related conditions. ClinVar contains an entry for this variant (Variation ID: 858644). Algorithms developed to predict the effect of missense changes on protein structure and function are either unavailable or do not agree on the potential impact of this missense change (SIFT: "Deleterious"; PolyPhen-2: "Probably Damaging"; Align-GVGD: "Class C0"). In summary, the available evidence is currently insufficient to determine the role of this variant in disease. Therefore, it has been classified as a Variant of Uncertain Significance.

GeneDx
Classification: Uncertain significance. Last evaluated: 2022-06-06. Review status: criteria provided, single submitter. Criteria: GeneDx Variant Classification Process June 2021. Collection method: clinical testing. Allele origin: germline. Affected: yes.
Comment: Not observed at a significant frequency in large population cohorts (gnomAD); In silico analysis supports that this missense variant has a deleterious effect on protein structure/function; Has not been previously published as pathogenic or benign to our knowledge

Fulgent Genetics
Classification: Uncertain significance for Short-rib thoracic dysplasia 10 with or without polydactyly; Retinitis pigmentosa 71; Bardet-Biedl syndrome 20. Last evaluated: 2022-03-07. Review status: criteria provided, single submitter. Criteria: ACMG Guidelines, 2015. Collection method: clinical testing. Allele origin: unknown.

PreventionGenetics, part of Exact Sciences
Classification: Uncertain significance for IFT172-related condition. Last evaluated: 2024-09-19. Review status: no assertion criteria provided. Collection method: clinical testing. Allele origin: germline. Not counted in ClinVar's aggregate classification.
Comment: The IFT172 c.145C>T variant is predicted to result in the amino acid substitution p.Arg49Trp. To our knowledge, this variant has not been reported in the literature. This variant is reported in 0.012% of alleles in individuals of European (Non-Finnish) descent in gnomAD. At this time, the clinical significance of this variant is uncertain due to the absence of conclusive functional and genetic evidence.